The following is an entry in ClinVar:

NM_001042492.3(NF1):c.1358G>T (p.Gly453Val)

Gene: NF1 (neurofibromin 1; plus strand). Cytogenetic location: 17q11.2.
Variant type: single nucleotide variant.
Coding change: c.1358G>T on transcript NM_001042492.3 (MANE Select); coding-DNA position 1358, G replaced by T.
Protein change: p.Gly453Val; replaces glycine 453 with valine.
Molecular consequence: missense variant.
Genome position (GRCh38, 1-based): chr17:31,206,337, G>T. VCF-style: chr17-31206337-G-T. GRCh37 (hg19) VCF-style: chr17-29533355-G-T.
Other names: c.1358G>T, p.Gly453Val (NM_000267.4, NM_001128147.3); short protein forms G453V.
Identifiers: ClinVar variation 234194 (VCV000234194.12), dbSNP rs876660915, ClinGen allele CA10580221.

ClinVar aggregate classification (germline): Uncertain significance. Review status: criteria provided, multiple submitters, no conflicts (2 of 4 stars). 4 submissions from 3 submitters: Uncertain significance (4). Last evaluated 2024-08-11.

Conditions:
Cardiovascular phenotype. Identifiers: MedGen CN230736.
Hereditary cancer-predisposing syndrome. Also called: Tumor predisposition; Hereditary Cancer Syndrome; Hereditary neoplastic syndrome; Neoplastic Syndromes, Hereditary. Identifiers: Orphanet 140162, MedGen C0027672, MeSH D009386, MONDO:0015356.
Neurofibromatosis, type 1 (NF1). Also called: VON RECKLINGHAUSEN DISEASE; NEUROFIBROMATOSIS, TYPE I, SOMATIC; Peripheral type neurofibromatosis; Neurofibromatosis, type I. Identifiers: Orphanet 636, MedGen C0027831, MONDO:0018975, OMIM 162200. Disease mechanism: loss of function.

Submissions (4):

Labcorp Genetics (formerly Invitae), Labcorp
Classification: Uncertain significance for Neurofibromatosis, type 1. Last evaluated: 2024-08-11. Review status: criteria provided, single submitter. Criteria: Invitae Variant Classification Sherloc (09022015). Collection method: clinical testing. Allele origin: germline.
Comment: This sequence change replaces glycine, which is neutral and non-polar, with valine, which is neutral and non-polar, at codon 453 of the NF1 protein (p.Gly453Val). This variant is not present in population databases (gnomAD no frequency). This variant has not been reported in the literature in individuals affected with NF1-related conditions. ClinVar contains an entry for this variant (Variation ID: 234194). Advanced modeling of protein sequence and biophysical properties (such as structural, functional, and spatial information, amino acid conservation, physicochemical variation, residue mobility, and thermodynamic stability) has been performed at Invitae for this missense variant, however the output from this modeling did not meet the statistical confidence thresholds required to predict the impact of this variant on NF1 protein function. In summary, the available evidence is currently insufficient to determine the role of this variant in disease. Therefore, it has been classified as a Variant of Uncertain Significance.

Genome-Nilou Lab
Classification: Uncertain significance for Neurofibromatosis, type 1. Last evaluated: 2022-03-15. Review status: criteria provided, single submitter. Criteria: ACMG Guidelines, 2015. Collection method: clinical testing. Allele origin: germline. Affected: no.

Ambry Genetics
Classification: Uncertain significance for Cardiovascular phenotype; Hereditary cancer-predisposing syndrome. Last evaluated: 2021-08-23. Review status: criteria provided, single submitter. Criteria: Ambry Variant Classification Scheme 2023. Collection method: clinical testing. Allele origin: germline.

Ambry Genetics
Classification: Uncertain significance for Hereditary cancer-predisposing syndrome. Last evaluated: 2015-09-24. Review status: criteria provided, single submitter. Criteria: Ambry Autosomal Dominant and X-Linked criteria (10/2015). Collection method: clinical testing. Allele origin: germline. Observed: 1 variant allele.
Comment: The p.G453V variant (also known as c.1358G>T), located in coding exon 12 of the NF1 gene, results from a G to T substitution at nucleotide position 1358. The glycine at codon 453 is replaced by valine, an amino acid with dissimilar properties. This variant was not reported in population based cohorts in the following databases: Database of Single Nucleotide Polymorphisms (dbSNP), NHLBI Exome Sequencing Project (ESP), and 1000 Genomes Project. In the ESP, this variant was not observed in 6503 samples (13006 alleles) with coverage at this position. To date, this alteration has been detected with an allele frequency of approximately 0.002% (greater than 55000alleles tested) in our clinical cohort.This amino acid position is well conserved in available vertebrate species. In addition, the in silico prediction for this alteration is inconclusive.Since supporting evidence is limited at this time, the clinical significance of p.G453Vremains unclear.